The following is an entry in ClinVar:

NM_000179.3(MSH6):c.3533G>A (p.Gly1178Asp)

Gene: MSH6 (mutS homolog 6; plus strand). Cytogenetic location: 2p16.3.
Variant type: single nucleotide variant.
Coding change: c.3533G>A on transcript NM_000179.3 (MANE Select); coding-DNA position 3533, G replaced by A.
Protein change: p.Gly1178Asp; replaces glycine 1178 with aspartic acid.
Molecular consequence: missense variant.
Genome position (GRCh38, 1-based): chr2:47,805,004, G>A. VCF-style: chr2-47805004-G-A. GRCh37 (hg19) VCF-style: chr2-48032143-G-A.
Other names: c.3143G>A, p.Gly1048Asp (NM_001281492.2); c.2627G>A, p.Gly876Asp (NM_001281493.2, NM_001281494.2); short protein forms G1178D, G1048D, G876D.
Identifiers: ClinVar variation 428335 (VCV000428335.20), dbSNP rs772380953, ClinGen allele CA071129.

ClinVar aggregate classification (germline): Uncertain significance. Review status: criteria provided, multiple submitters, no conflicts (2 of 4 stars). 6 submissions from 6 submitters: Uncertain significance (6). Last evaluated 2025-11-05.

Conditions:
Hereditary cancer-predisposing syndrome. Also called: Hereditary Cancer Syndrome; Neoplastic Syndromes, Hereditary; Hereditary neoplastic syndrome; Tumor predisposition. Identifiers: Orphanet 140162, MedGen C0027672, MeSH D009386, MONDO:0015356.
Hereditary nonpolyposis colorectal neoplasms. Identifiers: MedGen C0009405, MeSH D003123.
Lynch syndrome. Identifiers: Orphanet 144, MedGen C4552100, MONDO:0005835. Disease mechanism: loss of function.
Endometrial carcinoma. Also called: Endometrial carcinoma, somatic. Identifiers: MedGen C0476089, MONDO:0002447, OMIM 608089, HP:0012114.

Allele frequency attached by ClinVar (database versions not stated): gnomAD exomes below 0.00001; ExAC 0.00001.
gnomAD v4.1: 4 of 1,613,656 alleles (0.00025%); highest among the groups gnomAD compares: Non-Finnish European, 0.00034%; no homozygotes.

Submissions (6):

Ambry Genetics
Classification: Uncertain significance for Hereditary cancer-predisposing syndrome. Last evaluated: 2025-11-05. Review status: criteria provided, single submitter. Criteria: Ambry Variant Classification Scheme 2023. Collection method: clinical testing. Allele origin: germline.
Comment: The p.G1178D variant (also known as c.3533G>A), located in coding exon 6 of the MSH6 gene, results from a G to A substitution at nucleotide position 3533. The glycine at codon 1178 is replaced by aspartic acid, an amino acid with similar properties. This amino acid position is highly conserved in available vertebrate species. In addition, this alteration is predicted to be deleterious by in silico analysis. Since supporting evidence is limited at this time, the clinical significance of this alteration remains unclear.

Labcorp Genetics (formerly Invitae), Labcorp
Classification: Uncertain significance for Hereditary nonpolyposis colorectal neoplasms. Last evaluated: 2025-09-02. Review status: criteria provided, single submitter. Criteria: Invitae Variant Classification Sherloc (09022015). Collection method: clinical testing. Allele origin: germline.
Comment: This sequence change replaces glycine, which is neutral and non-polar, with aspartic acid, which is acidic and polar, at codon 1178 of the MSH6 protein (p.Gly1178Asp). This variant is present in population databases (rs772380953, gnomAD 0.0009%). This missense change has been observed in individual(s) with MSH6-related conditions (PMID: 21520333). ClinVar contains an entry for this variant (Variation ID: 428335). Invitae Evidence Modeling incorporating data from in vitro experimental studies (internal data) indicates that this missense variant is expected to disrupt MSH6 function with a positive predictive value of 95%. In summary, the available evidence is currently insufficient to determine the role of this variant in disease. Therefore, it has been classified as a Variant of Uncertain Significance.

Baylor Genetics
Classification: Uncertain significance for Endometrial carcinoma. Last evaluated: 2023-08-24. Review status: criteria provided, single submitter. Criteria: ACMG Guidelines, 2015. Collection method: clinical testing. Allele origin: unknown.

Institute for Clinical Genetics, University Hospital TU Dresden, University Hospital TU Dresden
Classification: Uncertain significance. Last evaluated: 2021-11-03. Review status: criteria provided, single submitter. Criteria: ACMG Guidelines, 2015. Collection method: clinical testing. Allele origin: germline.

Department of Pathology and Laboratory Medicine, Sinai Health System
Classification: Uncertain significance for Lynch syndrome. Last evaluated: 2020-07-08. Review status: criteria provided, single submitter. Criteria: ACMG Guidelines, 2015. Collection method: clinical testing. Allele origin: germline. Affected: yes.

Color Diagnostics, LLC DBA Color Health
Classification: Uncertain significance for Hereditary cancer-predisposing syndrome. Last evaluated: 2019-04-09. Review status: criteria provided, single submitter. Criteria: ACMG Guidelines, 2015. Collection method: clinical testing. Allele origin: germline.

Literature cited by the submitters: PubMed 21520333 (cited by Labcorp Genetics (formerly Invitae), Labcorp).